The following is an entry in ClinVar:

NM_005188.4(CBL):c.664A>C (p.Met222Leu)

Gene: CBL (Cbl proto-oncogene; plus strand). Cytogenetic location: 11q23.3.
Variant type: single nucleotide variant.
Coding change: c.664A>C on transcript NM_005188.4 (MANE Select); coding-DNA position 664, A replaced by C.
Protein change: p.Met222Leu; replaces methionine 222 with leucine.
Molecular consequence: missense variant.
Genome position (GRCh38, 1-based): chr11:119,273,941, A>C. VCF-style: chr11-119273941-A-C. GRCh37 (hg19) VCF-style: chr11-119144651-A-C.
Other names: short protein forms M222L.
Identifiers: ClinVar variation 945278 (VCV000945278.10), dbSNP rs773611782, ClinGen allele CA382909371.

ClinVar aggregate classification (germline): Conflicting classifications of pathogenicity. Review status: criteria provided, conflicting classifications (1 of 4 stars). 4 submissions from 3 submitters: Uncertain significance (3); Likely benign (1). Last evaluated 2025-07-06.

Conditions:
RASopathy. Also called: rasopathies; Noonan spectrum disorder. Identifiers: Orphanet 536391, MedGen C5555857, MONDO:0021060.
Juvenile myelomonocytic leukemia (JMML). Also called: LEUKEMIA, JUVENILE MYELOMONOCYTIC, SOMATIC. Identifiers: Orphanet 86834, MedGen C0349639, MONDO:0011908, OMIM 607785, HP:0012209.
CBL-related disorder. Also called: NOONAN SYNDROME-LIKE DISORDER WITHOUT JUVENILE MYELOMONOCYTIC LEUKEMIA; CBL MUTATION-ASSOCIATED SYNDROME; CBL SYNDROME. Identifiers: Orphanet 363972, MedGen C3150803, MONDO:0013308, OMIM 613563.

Allele frequency attached by ClinVar (database versions not stated): gnomAD exomes below 0.00001; TOPMed 0.00001; gnomAD 0.00002.
gnomAD v4.1: 31 of 1,613,906 alleles (0.0019%); highest among the groups gnomAD compares: Non-Finnish European, 0.0022%; no homozygotes.

Submissions (4):

Labcorp Genetics (formerly Invitae), Labcorp
Classification: Uncertain significance for RASopathy. Last evaluated: 2025-07-06. Review status: criteria provided, single submitter. Criteria: Invitae Variant Classification Sherloc (09022015). Collection method: clinical testing. Allele origin: germline.
Comment: This sequence change replaces methionine, which is neutral and non-polar, with leucine, which is neutral and non-polar, at codon 222 of the CBL protein (p.Met222Leu). This variant is present in population databases (no rsID available, gnomAD no frequency). This variant has not been reported in the literature in individuals affected with CBL-related conditions. ClinVar contains an entry for this variant (Variation ID: 945278). Invitae Evidence Modeling of protein sequence and biophysical properties (such as structural, functional, and spatial information, amino acid conservation, physicochemical variation, residue mobility, and thermodynamic stability) indicates that this missense variant is not expected to disrupt CBL protein function with a negative predictive value of 95%. In summary, the available evidence is currently insufficient to determine the role of this variant in disease. Therefore, it has been classified as a Variant of Uncertain Significance.

Women's Health and Genetics/Laboratory Corporation of America, LabCorp
Classification: Likely benign. Last evaluated: 2024-07-10. Review status: criteria provided, single submitter. Criteria: LabCorp Variant Classification Summary - May 2015. Collection method: clinical testing. Allele origin: germline.
Comment: Variant summary: CBL c.664A>C (p.Met222Leu) results in a conservative amino acid change located in the Adaptor protein Cbl, EF hand-like domain (IPR014741) of the encoded protein sequence. Four of five in-silico tools predict a benign effect of the variant on protein function. The variant allele was found at a frequency of 1.9e-05 in 1613906 control chromosomes (gnomAD database v4). The observed variant frequency is approximately 7.68 fold of the estimated maximal expected allele frequency for a pathogenic variant in CBL causing Noonan Syndrome And Related Conditions phenotype (2.5e-06). To our knowledge, no occurrence of c.664A>C in individuals affected with Noonan Syndrome And Related Conditions and no experimental evidence demonstrating its impact on protein function have been reported. ClinVar contains an entry for this variant (Variation ID: 945278). Based on the evidence outlined above, the variant was classified as likely benign.

Baylor Genetics
Classification: Uncertain significance for Juvenile myelomonocytic leukemia. Last evaluated: 2023-03-21. Review status: criteria provided, single submitter. Criteria: ACMG Guidelines, 2015. Collection method: clinical testing. Allele origin: unknown.

Baylor Genetics
Classification: Uncertain significance for CBL-related disorder. Last evaluated: 2023-03-21. Review status: criteria provided, single submitter. Criteria: ACMG Guidelines, 2015. Collection method: clinical testing. Allele origin: unknown.